The following is an entry in ClinVar:

NM_000256.3(MYBPC3):c.988C>A (p.Pro330Thr)

Gene: MYBPC3 (myosin binding protein C3; minus strand). Cytogenetic location: 11p11.2.
Variant type: single nucleotide variant.
Coding change: c.988C>A on transcript NM_000256.3 (MANE Select); coding-DNA position 988, C replaced by A.
Protein change: p.Pro330Thr; replaces proline 330 with threonine.
Molecular consequence: missense variant.
Genome position (GRCh38, 1-based): chr11:47,346,309, G>T on the plus strand (C>A on the coding strand, the complement: MYBPC3 is on the minus strand). VCF-style: chr11-47346309-G-T. GRCh37 (hg19) VCF-style: chr11-47367860-G-T.
Other names: short protein forms P330T.
Identifiers: ClinVar variation 924441 (VCV000924441.8), dbSNP rs1369307553, ClinGen allele CA380331581.

ClinVar aggregate classification (germline): Uncertain significance. Review status: criteria provided, multiple submitters, no conflicts (2 of 4 stars). 4 submissions from 4 submitters: Uncertain significance (4). Last evaluated 2025-07-25.

Conditions:
Cardiomyopathy (CMYO). Also called: Cardiomyopathies. Identifiers: Orphanet 167848, MedGen C0878544, MONDO:0004994, HP:0001638. Inheritance: Various modes of inheritance.
Cardiovascular phenotype. Identifiers: MedGen CN230736.
Hypertrophic cardiomyopathy. Also called: HYPERTROPHIC MYOCARDIOPATHY. Identifiers: Orphanet 217569, MedGen C0007194, MeSH D002312, MONDO:0005045, HP:0001639.

gnomAD v4.1: 28 of 1,612,804 alleles (0.0017%); highest among the groups gnomAD compares: Non-Finnish European, 0.0024%; no homozygotes.

Submissions (4):

Color Diagnostics, LLC DBA Color Health
Classification: Uncertain significance for Cardiomyopathy. Last evaluated: 2025-07-25. Review status: criteria provided, single submitter. Criteria: ACMG Guidelines, 2015. Collection method: clinical testing. Allele origin: germline.
Comment: This missense variant replaces proline with threonine at codon 330 of the MYBPC3 protein. Computational prediction suggests that this variant may not impact protein structure and function. To our knowledge, functional studies have not been reported for this variant. This variant has not been reported in individuals affected with MYBPC3-related disorders in the literature. This variant has not been identified in the general population by the Genome Aggregation Database (gnomAD). The available evidence is insufficient to determine the role of this variant in disease conclusively. Therefore, this variant is classified as a Variant of Uncertain Significance.

Ambry Genetics
Classification: Uncertain significance for Cardiovascular phenotype. Last evaluated: 2024-03-07. Review status: criteria provided, single submitter. Criteria: Ambry Variant Classification Scheme 2023. Collection method: clinical testing. Allele origin: germline.
Comment: The p.P330T variant (also known as c.988C>A), located in coding exon 12 of the MYBPC3 gene, results from a C to A substitution at nucleotide position 988. The proline at codon 330 is replaced by threonine, an amino acid with highly similar properties. This variant was detected in a cardiomyopathy/arrhythmia genetic testing cohort; however, clinical details were limited, and additional cardiac variants were detected in some cases (van Lint FHM et al. Neth Heart J, 2019 Jun;27:304-309). This amino acid position is well conserved in available vertebrate species. In addition, this alteration is predicted to be tolerated by in silico analysis. Since supporting evidence is limited at this time, the clinical significance of this alteration remains unclear.

Clinical Genetics Laboratory, Skane University Hospital Lund
Classification: Uncertain significance. Last evaluated: 2024-02-05. Review status: criteria provided, single submitter. Criteria: ACMG Guidelines, 2015. Collection method: clinical testing. Allele origin: germline. Affected: yes.

Labcorp Genetics (formerly Invitae), Labcorp
Classification: Uncertain significance for Hypertrophic cardiomyopathy. Last evaluated: 2021-09-01. Review status: criteria provided, single submitter. Criteria: Invitae Variant Classification Sherloc (09022015). Collection method: clinical testing. Allele origin: germline.
Comment: This sequence change replaces proline with threonine at codon 330 of the MYBPC3 protein (p.Pro330Thr). The proline residue is highly conserved and there is a small physicochemical difference between proline and threonine. This variant is not present in population databases (ExAC no frequency). This variant has not been reported in the literature in individuals affected with MYBPC3-related conditions. Algorithms developed to predict the effect of missense changes on protein structure and function (SIFT, PolyPhen-2, Align-GVGD) all suggest that this variant is likely to be disruptive. In summary, the available evidence is currently insufficient to determine the role of this variant in disease. Therefore, it has been classified as a Variant of Uncertain Significance.

Literature cited by the submitters: PubMed 30847666 (cited by Ambry Genetics).